The following is an entry in ClinVar:

NM_182914.3(SYNE2):c.16390A>G (p.Thr5464Ala)

Gene: SYNE2 (spectrin repeat containing nuclear envelope protein 2; plus strand). Cytogenetic location: 14q23.2.
Variant type: single nucleotide variant.
Coding change: c.16390A>G on transcript NM_182914.3 (MANE Select); coding-DNA position 16390, A replaced by G.
Protein change: p.Thr5464Ala; replaces threonine 5464 with alanine.
Molecular consequence: missense variant.
Genome position (GRCh38, 1-based): chr14:64,163,492, A>G. VCF-style: chr14-64163492-A-G. GRCh37 (hg19) VCF-style: chr14-64630210-A-G.
Other names: c.16390A>G, p.Thr5464Ala (NM_015180.6); short protein forms T5464A.
Identifiers: ClinVar variation 1980393 (VCV001980393.4), dbSNP rs763628364, ClinGen allele CA7223362.

ClinVar aggregate classification (germline): Uncertain significance (1 of 4 stars; one submission).

Conditions:
Emery-Dreifuss muscular dystrophy 5, autosomal dominant (EDMD5). Also called: EMERY-DREIFUSS MUSCULAR DYSTROPHY 5. Identifiers: Orphanet 261, MedGen C2751805, MONDO:0013072, OMIM 612999.

Allele frequency attached by ClinVar (database versions not stated): ExAC 0.00001; TOPMed 0.00001.
gnomAD v4.1: 30 of 1,614,008 alleles (0.0019%); highest among the groups gnomAD compares: Non-Finnish European, 0.0025%; no homozygotes.

Submission:

Labcorp Genetics (formerly Invitae), Labcorp
Classification: Uncertain significance for Emery-Dreifuss muscular dystrophy 5, autosomal dominant. Last evaluated: 2025-10-02. Review status: criteria provided, single submitter. Criteria: Invitae Variant Classification Sherloc (09022015). Collection method: clinical testing. Allele origin: germline.
Comment: This sequence change replaces threonine, which is neutral and polar, with alanine, which is neutral and non-polar, at codon 5464 of the SYNE2 protein (p.Thr5464Ala). This variant is present in population databases (rs763628364, gnomAD 0.004%). This variant has not been reported in the literature in individuals affected with SYNE2-related conditions. ClinVar contains an entry for this variant (Variation ID: 1980393). An algorithm developed to predict the effect of missense changes on protein structure and function outputs the following: PolyPhen-2: "Benign". The alanine amino acid residue is found in multiple mammalian species, which suggests that this missense change does not adversely affect protein function. In summary, the available evidence is currently insufficient to determine the role of this variant in disease. Therefore, it has been classified as a Variant of Uncertain Significance.